The following is an entry in ClinVar:

ClinVar aggregate classification (germline): Likely pathogenic. Review status: criteria provided, multiple submitters, no conflicts (2 of 4 stars). 4 submissions from 4 submitters: Likely pathogenic (4). Last evaluated 2025-10-06.

Conditions:
Hereditary nonpolyposis colorectal neoplasms. Identifiers: MedGen C0009405, MeSH D003123.
Hereditary cancer-predisposing syndrome. Also called: Neoplastic Syndromes, Hereditary; Hereditary Cancer Syndrome; Tumor predisposition; Hereditary neoplastic syndrome. Identifiers: Orphanet 140162, MedGen C0027672, MeSH D009386, MONDO:0015356.
Lynch syndrome 4 (LYNCH4). Also called: Colorectal cancer, hereditary nonpolyposis, type 4; Hereditary non-polyposis colorectal cancer, type 4. Identifiers: Orphanet 144, MedGen C1838333, MONDO:0013699, OMIM 614337. Disease mechanism: loss of function.

Submissions (4):

Labcorp Genetics (formerly Invitae), Labcorp
Classification: Likely pathogenic for Hereditary nonpolyposis colorectal neoplasms. Last evaluated: 2025-10-06. Review status: criteria provided, single submitter. Criteria: Invitae Variant Classification Sherloc (09022015). Collection method: clinical testing. Allele origin: germline.
Comment: This sequence change affects an acceptor splice site in intron 12 of the PMS2 gene. It is expected to disrupt RNA splicing. Variants that disrupt the donor or acceptor splice site typically lead to a loss of protein function (PMID: 16199547), and loss-of-function variants in PMS2 are known to be pathogenic (PMID: 21376568, 24362816). The frequency data for this variant in the population databases (gnomAD) is considered unreliable due to the presence of homologous sequence, such as pseudogenes or paralogs, in the genome. Disruption of this splice site has been observed in individual(s) with colon cancer and/or pancreatic cancer (PMID: 28726808; internal data). ClinVar contains an entry for this variant (Variation ID: 582701). Algorithms developed to predict the effect of sequence changes on RNA splicing suggest that this variant may disrupt the consensus splice site. In summary, the currently available evidence indicates that the variant is pathogenic, but additional data are needed to prove that conclusively. Therefore, this variant has been classified as Likely Pathogenic.

Ambry Genetics
Classification: Likely pathogenic for Hereditary cancer-predisposing syndrome. Last evaluated: 2024-10-18. Review status: criteria provided, single submitter. Criteria: Ambry Variant Classification Scheme 2023. Collection method: clinical testing. Allele origin: germline.
Comment: The c.2175-1G>C intronic variant results from a G to C substitution one nucleotide upstream from coding exon 13 of the PMS2 gene. This nucleotide position is highly conserved in available vertebrate species. In silico splice site analysis predicts that this alteration will weaken the native splice acceptor site and will result in the creation or strengthening of a novel splice acceptor site. Alterations that disrupt the canonical splice site are expected to cause aberrant splicing, resulting in an abnormal protein or a transcript that is subject to nonsense-mediated mRNA decay. As such, this alteration is classified as likely pathogenic.

Myriad Genetics, Inc.
Classification: Likely pathogenic for Lynch syndrome 4. Last evaluated: 2023-09-22. Review status: criteria provided, single submitter. Criteria: Myriad Autosomal Dominant, Autosomal Recessive and X-Linked Classification Criteria (2023). Collection method: clinical testing. Allele origin: unknown.
Comment: This variant is considered likely pathogenic. This variant occurs within a consensus splice junction and is predicted to result in abnormal mRNA splicing of either an out-of-frame exon or an in-frame exon necessary for protein stability and/or normal function.

Baylor Genetics
Classification: Likely pathogenic for Lynch syndrome 4. Last evaluated: 2023-08-25. Review status: criteria provided, single submitter. Criteria: ACMG Guidelines, 2015. Collection method: clinical testing. Allele origin: unknown.

Literature cited by the submitters: PubMed 16199547 (cited by Labcorp Genetics (formerly Invitae), Labcorp); PubMed 21376568 (cited by Labcorp Genetics (formerly Invitae), Labcorp); PubMed 24362816 (cited by Labcorp Genetics (formerly Invitae), Labcorp); PubMed 28726808 (cited by Labcorp Genetics (formerly Invitae), Labcorp).

NM_000535.7(PMS2):c.2175-1G>C

Gene: PMS2 (PMS1 homolog 2, mismatch repair system component; minus strand). Cytogenetic location: 7p22.1.
Variant type: single nucleotide variant.
Coding change: c.2175-1G>C on transcript NM_000535.7 (MANE Select); the canonical splice acceptor site of the intron before coding-DNA position 2175, G replaced by C.
Molecular consequence: splice acceptor variant. On other transcripts: intron variant (2).
Genome position (GRCh38, 1-based): chr7:5,978,697, C>G on the plus strand (G>C on the coding strand, the complement: PMS2 is on the minus strand). VCF-style: chr7-5978697-C-G. GRCh37 (hg19) VCF-style: chr7-6018328-C-G.
Other names: c.1857-1G>C (NM_001322008.2, NM_001406883.1, NM_001322007.2 and 1 more transcripts); c.1866-1G>C (NM_001406881.1, NM_001406879.1, NM_001322015.2 and 5 more transcripts); c.1770-1G>C (NM_001406895.1, NM_001322004.2, NM_001406889.1 and 14 more transcripts); c.1404-1G>C (NM_001406911.1); c.1614-1G>C (NM_001322010.2, NM_001406906.1, NM_001406907.1); c.1701-1G>C (NM_001406902.1, NM_001406901.1); c.1662-1G>C (NM_001406904.1, NM_001406905.1); c.1602-1G>C (NM_001322013.2, NM_001406908.1, NM_001406909.1); and 16 more.
Identifiers: ClinVar variation 582701 (VCV000582701.11), dbSNP rs1562605623, ClinGen allele CA366736996.